The following is an entry in ClinVar:

NM_000435.3(NOTCH3):c.660C>T (p.Tyr220=)

Gene: NOTCH3 (notch receptor 3; minus strand). Cytogenetic location: 19p13.12.
Variant type: single nucleotide variant.
Coding change: c.660C>T on transcript NM_000435.3 (MANE Select); coding-DNA position 660, C replaced by T.
Protein change: p.Tyr220=; no amino-acid change (tyrosine 220 retained).
Molecular consequence: synonymous variant.
Genome position (GRCh38, 1-based): chr19:15,191,979, G>A on the plus strand (C>T on the coding strand, the complement: NOTCH3 is on the minus strand). VCF-style: chr19-15191979-G-A. GRCh37 (hg19) VCF-style: chr19-15302790-G-A.
Other names: p.Tyr220=.
Identifiers: ClinVar variation 328417 (VCV000328417.62), dbSNP rs114457076, ClinGen allele CA9263835.

ClinVar aggregate classification (germline): Benign/Likely benign. Review status: criteria provided, multiple submitters, no conflicts (2 of 4 stars). 8 submissions from 8 submitters: Benign (3); Likely benign (5). Last evaluated 2026-07-01.

Conditions:
Cerebral arteriopathy, autosomal dominant, with subcortical infarcts and leukoencephalopathy, type 1 (CADASIL1). Also called: CASIL; Cerebral arteriopathy with subcortical infarcts and leukoencephalopathy 1; CADASIL 1; DEMENTIA, HEREDITARY MULTIINFARCT TYPE. Identifiers: Orphanet 136, MedGen C4551768, MONDO:0000914, OMIM 125310.
Myofibromatosis, infantile, 2. Identifiers: Orphanet 2591, MedGen C3809084, MONDO:0014122, OMIM 615293.
Lateral meningocele syndrome (LMNS). Also called: NOTCH3-Related Lateral Meningocele Syndrome. Identifiers: Orphanet 2789, MedGen C1851710, MONDO:0007537, OMIM 130720.

Allele frequency attached by ClinVar (database versions not stated): gnomAD 0.00091 and 0.00114; ESP Exome Variant Server 0.00100; TOPMed 0.00105; gnomAD exomes 0.00137 and 0.00197; ExAC 0.00186; 1000 Genomes Project 30x 0.00203; 1000 Genomes Project 0.00220.
gnomAD v4.1: 2,253 of 1,613,456 alleles (0.14%); highest among the groups gnomAD compares: Middle Eastern, 2.2%; 20 homozygotes.

Submissions (8):

CeGaT Center for Human Genetics Tuebingen
Classification: Likely benign. Last evaluated: 2026-07-01. Review status: criteria provided, single submitter. Criteria: CeGaT Center For Human Genetics Tuebingen Variant Classification Criteria Version 2. Collection method: clinical testing. Allele origin: germline. Affected: yes. Observed: 18 variant alleles.
Comment: NOTCH3: BP4, BP7, BS2

Labcorp Genetics (formerly Invitae), Labcorp
Classification: Benign. Last evaluated: 2025-12-06. Review status: criteria provided, single submitter. Criteria: Invitae Variant Classification Sherloc (09022015). Collection method: clinical testing. Allele origin: germline.

ARUP Laboratories, Molecular Genetics and Genomics, ARUP Laboratories
Classification: Benign. Last evaluated: 2024-12-02. Review status: criteria provided, single submitter. Criteria: ARUP Molecular Germline Variant Investigation Process 2024. Collection method: clinical testing. Allele origin: germline.

Blueprint Genetics
Classification: Likely benign. Last evaluated: 2024-11-27. Review status: criteria provided, single submitter. Criteria: ACMG Guidelines, 2015. Collection method: clinical testing. Allele origin: germline.

Mayo Clinic Laboratories, Mayo Clinic
Classification: Benign. Last evaluated: 2023-06-12. Review status: criteria provided, single submitter. Criteria: ACMG Guidelines, 2015. Collection method: clinical testing. Allele origin: germline. Observed: 20 variant alleles.
Comment: BS1, BS2, BP4, BP7

Fulgent Genetics
Classification: Likely benign for Cerebral arteriopathy, autosomal dominant, with subcortical infarcts and leukoencephalopathy, type 1; Lateral meningocele syndrome; Myofibromatosis, infantile, 2. Last evaluated: 2022-04-22. Review status: criteria provided, single submitter. Criteria: ACMG Guidelines, 2015. Collection method: clinical testing. Allele origin: unknown.

Illumina Laboratory Services, Illumina
Classification: Likely benign for Cerebral arteriopathy, autosomal dominant, with subcortical infarcts and leukoencephalopathy, type 1. Last evaluated: 2017-04-27. Review status: criteria provided, single submitter. Criteria: ICSL Variant Classification Criteria 13 December 2019. Collection method: clinical testing. Allele origin: germline.
Comment: This variant was observed as part of a predisposition screen in an ostensibly healthy population. A literature search was performed for the gene, cDNA change, and amino acid change (where applicable). No publications were found based on this search. Allele frequency data from public databases allowed determination this variant is unlikely to cause disease. Therefore, this variant is classified as likely benign.

Breakthrough Genomics
Classification: Likely benign. Review status: criteria provided, single submitter. Criteria: ACMG Guidelines, 2015. Collection method: not provided. Allele origin: germline. Inheritance: Autosomal dominant inheritance. Affected: yes.